The following is an entry in ClinVar:

NM_020800.3(IFT80):c.1552T>C (p.Cys518Arg)

Genes: TRIM59-IFT80 (TRIM59-IFT80 readthrough (NMD candidate); minus strand), IFT80 (intraflagellar transport 80; minus strand). Cytogenetic location: 3q25.33.
Variant type: single nucleotide variant.
Coding change: c.1552T>C on transcript NM_020800.3 (MANE Select); coding-DNA position 1552, T replaced by C.
Protein change: p.Cys518Arg; replaces cysteine 518 with arginine.
Molecular consequence: missense variant. On other transcripts: non-coding transcript variant (3).
Genome position (GRCh38, 1-based): chr3:160,280,779, A>G on the plus strand (T>C on the coding strand, the complement: IFT80 is on the minus strand). VCF-style: chr3-160280779-A-G. GRCh37 (hg19) VCF-style: chr3-159998567-A-G.
Other names: c.1141T>C, p.Cys381Arg (NM_001190241.2, NM_001190242.2); short protein forms C381R, C518R.
Identifiers: ClinVar variation 1020910 (VCV001020910.6), dbSNP rs1418914019, ClinGen allele CA355191366.

ClinVar aggregate classification (germline): Uncertain significance (1 of 4 stars; one submission).

Conditions:
Jeune thoracic dystrophy. Also called: Jeune syndrome; Infantile thoracic dystrophy; Thoracic pelvic phalangeal dystrophy; Jeune's syndrome; Chondroectodermal dysplasia-like syndrome; Short-rib thoracic dysplasia. Identifiers: Orphanet 474, MedGen C0265275, MONDO:0018770.

Allele frequency attached by ClinVar (database versions not stated): gnomAD 0.00001; gnomAD exomes 0.00002 and 0.00003; TOPMed 0.00002.

Submission:

Labcorp Genetics (formerly Invitae), Labcorp
Classification: Uncertain significance for Jeune thoracic dystrophy. Last evaluated: 2021-09-01. Review status: criteria provided, single submitter. Criteria: Invitae Variant Classification Sherloc (09022015). Collection method: clinical testing. Allele origin: germline.
Comment: This sequence change replaces cysteine with arginine at codon 518 of the IFT80 protein (p.Cys518Arg). The cysteine residue is weakly conserved and there is a large physicochemical difference between cysteine and arginine. This variant is not present in population databases (ExAC no frequency). This variant has not been reported in the literature in individuals affected with IFT80-related conditions. Algorithms developed to predict the effect of missense changes on protein structure and function (SIFT, PolyPhen-2, Align-GVGD) all suggest that this variant is likely to be tolerated. In summary, the available evidence is currently insufficient to determine the role of this variant in disease. Therefore, it has been classified as a Variant of Uncertain Significance.